The following is an entry in ClinVar:

ClinVar aggregate classification (germline): Uncertain significance (1 of 4 stars; one submission).

Conditions:
Gastrointestinal stromal tumor. Also called: Gastrointestinal stromal tumor, somatic; Gastrointestinal stroma tumor. Identifiers: Orphanet 44890, MedGen C0238198, MeSH D046152, MONDO:0011719, OMIM 606764, HP:0100723.

Submission:

Labcorp Genetics (formerly Invitae), Labcorp
Classification: Uncertain significance for Gastrointestinal stromal tumor. Last evaluated: 2020-05-29. Review status: criteria provided, single submitter. Criteria: Invitae Variant Classification Sherloc (09022015). Collection method: clinical testing. Allele origin: germline.
Comment: In summary, the available evidence is currently insufficient to determine the role of this variant in disease. Therefore, it has been classified as a Variant of Uncertain Significance. This sequence change replaces serine with proline at codon 212 of the PDGFRA protein (p.Ser212Pro). The serine residue is moderately conserved and there is a moderate physicochemical difference between serine and proline. This variant is not present in population databases (ExAC no frequency). This variant has not been reported in the literature in individuals with PDGFRA-related conditions. Algorithms developed to predict the effect of missense changes on protein structure and function output the following: SIFT: "Tolerated"; PolyPhen-2: "Benign"; Align-GVGD: "Class C0". The proline amino acid residue is found in multiple mammalian species, suggesting that this missense change does not adversely affect protein function. These predictions have not been confirmed by published functional studies and their clinical significance is uncertain.

NM_006206.6(PDGFRA):c.634T>C (p.Ser212Pro)

Gene: PDGFRA (platelet derived growth factor receptor alpha; plus strand). Cytogenetic location: 4q12.
Variant type: single nucleotide variant.
Coding change: c.634T>C on transcript NM_006206.6 (MANE Select); coding-DNA position 634, T replaced by C.
Protein change: p.Ser212Pro; replaces serine 212 with proline.
Molecular consequence: missense variant.
Genome position (GRCh38, 1-based): chr4:54,264,924, T>C. VCF-style: chr4-54264924-T-C. GRCh37 (hg19) VCF-style: chr4-55131091-T-C.
Other names: c.634T>C, p.Ser212Pro (NM_001347827.2, NM_001347829.2); c.709T>C, p.Ser237Pro (NM_001347828.2); c.673T>C, p.Ser225Pro (NM_001347830.2); short protein forms S237P, S212P, S225P.
Identifiers: ClinVar variation 944867 (VCV000944867.10), dbSNP rs1722948802, ClinGen allele CA356890666.